The following is an entry in ClinVar:

ClinVar aggregate classification (germline): Benign/Likely benign. Review status: criteria provided, multiple submitters, no conflicts (2 of 4 stars). 10 submissions from 10 submitters: Benign (5); Likely benign (5). Last evaluated 2026-01-25.

Conditions:
Collagen 6-related myopathy. Identifiers: MedGen CN117976, MONDO:0100225.
Bethlem myopathy 1A. Also called: Bethlem myopathy 1; MYOPATHY, BENIGN CONGENITAL, WITH CONTRACTURES; Bethlem Muscular Dystrophy. Identifiers: Orphanet 610, MedGen CN029274, MONDO:0024530, OMIM 158810.

Allele frequency attached by ClinVar (database versions not stated): ESP Exome Variant Server 0.00008; gnomAD 0.00013; TOPMed 0.00045; ExAC 0.00124; 1000 Genomes Project 0.00180; 1000 Genomes Project 30x 0.00219.
gnomAD v4.1: 809 of 1,612,502 alleles (0.05%); highest among the groups gnomAD compares: South Asian, 0.6%; 6 homozygotes.

Submissions (10):

Labcorp Genetics (formerly Invitae), Labcorp
Classification: Benign for Bethlem myopathy 1A. Last evaluated: 2026-01-25. Review status: criteria provided, single submitter. Criteria: Invitae Variant Classification Sherloc (09022015). Collection method: clinical testing. Allele origin: germline.

CeGaT Center for Human Genetics Tuebingen
Classification: Likely benign. Last evaluated: 2025-12-01. Review status: criteria provided, single submitter. Criteria: CeGaT Center For Human Genetics Tuebingen Variant Classification Criteria Version 2. Collection method: clinical testing. Allele origin: germline. Affected: yes. Observed: 1 variant allele.
Comment: COL6A3: BP4

Blueprint Genetics
Classification: Likely benign. Last evaluated: 2024-11-21. Review status: criteria provided, single submitter. Criteria: ACMG Guidelines, 2015. Collection method: clinical testing. Allele origin: germline.

Mayo Clinic Laboratories, Mayo Clinic
Classification: Benign. Last evaluated: 2024-10-30. Review status: criteria provided, single submitter. Criteria: ACMG Guidelines, 2015. Collection method: clinical testing. Allele origin: germline. Observed: 1 variant allele.
Comment: BS1, BS2, BP4, BP7

Women's Health and Genetics/Laboratory Corporation of America, LabCorp
Classification: Benign. Last evaluated: 2024-04-04. Review status: criteria provided, single submitter. Criteria: LabCorp Variant Classification Summary - May 2015. Collection method: clinical testing. Allele origin: germline.
Comment: Variant summary: COL6A3 c.6064-6C>T alters a non-conserved nucleotide located close to a canonical splice site and therefore could affect mRNA splicing, leading to a significantly altered protein sequence. Consensus agreement among computation tools predict no significant impact on normal splicing. However, these predictions have yet to be confirmed by functional studies. The variant allele was found at a frequency of 0.0005 in 1612502 control chromosomes, predominantly at a frequency of 0.006 within the South Asian subpopulation in the gnomAD database, including 6 homozygotes. The observed variant frequency within South Asian control individuals in the gnomAD database (v4.0.0) strongly suggests that the variant is a benign polymorphism found primarily in populations of South Asian origin. To our knowledge, no occurrence of c.6064-6C>T in individuals affected with Ullrich Congenital Muscular Dystrophy 1 and no experimental evidence demonstrating its impact on protein function have been reported. ClinVar contains an entry for this variant (Variation ID: 259309). Based on the evidence outlined above, the variant was classified as benign.

GeneDx
Classification: Likely benign. Last evaluated: 2020-09-01. Review status: criteria provided, single submitter. Criteria: GeneDx Variant Classification Process June 2021. Collection method: clinical testing. Allele origin: germline. Affected: yes.

Illumina Laboratory Services, Illumina
Classification: Benign for Collagen VI-related myopathy. Last evaluated: 2018-01-13. Review status: criteria provided, single submitter. Criteria: ICSL Variant Classification Criteria 13 December 2019. Collection method: clinical testing. Allele origin: germline.
Comment: This variant was observed in the ICSL laboratory as part of a predisposition screen in an ostensibly healthy population. It had not been previously curated by ICSL or reported in the Human Gene Mutation Database (HGMD: prior to June 1st, 2018), and was therefore a candidate for classification through an automated scoring system. Utilizing variant allele frequency, disease prevalence and penetrance estimates, and inheritance mode, an automated score was calculated to assess if this variant is too frequent to cause the disease. Based on the score and internal cut-off values, a variant classified as benign is not then subjected to further curation. The score for this variant resulted in a classification of benign for this disease.

Eurofins Ntd Llc (ga)
Classification: Benign. Last evaluated: 2015-12-07. Review status: criteria provided, single submitter. Criteria: EGL Classification Definitions 2015. Collection method: clinical testing. Allele origin: germline. Observed: 1 variant allele, 1 heterozygote.

Breakthrough Genomics
Classification: Likely benign. Review status: criteria provided, single submitter. Criteria: ACMG Guidelines, 2015. Collection method: not provided. Allele origin: germline. Inheritance: Autosomal recessive inheritance. Affected: yes.

PreventionGenetics, part of Exact Sciences
Classification: Likely benign. Review status: criteria provided, single submitter. Criteria: ACMG Guidelines, 2015. Collection method: clinical testing. Allele origin: germline.

NM_004369.4(COL6A3):c.6064-6C>T

Gene: COL6A3 (collagen type VI alpha 3 chain; minus strand). Cytogenetic location: 2q37.3.
Variant type: single nucleotide variant.
Coding change: c.6064-6C>T on transcript NM_004369.4 (MANE Select); 6 bases into the intron before coding-DNA position 6064, C replaced by T.
Molecular consequence: intron variant.
Genome position (GRCh38, 1-based): chr2:237,361,837, G>A on the plus strand (C>T on the coding strand, the complement: COL6A3 is on the minus strand). VCF-style: chr2-237361837-G-A. GRCh37 (hg19) VCF-style: chr2-238270480-G-A.
Other names: p.?; c.4243-6C>T (NM_057166.5); c.5446-6C>T (NM_057167.4).
Identifiers: ClinVar variation 259309 (VCV000259309.30), dbSNP rs202091342, ClinGen allele CA2188473.
Genomic context (GRCh38, chr2:237,361,837, plus strand): 5'-TCTGCCCAGAGCACTTGCAGGGAACCCCACAGCAAGCTTTCTCGGCAATGTTGTCCTACC[G>A]AAAGGAAGAGAAACCAAATGTTCAGATCTCAAGAAATGCCCAGCAGAAAATCATAAATGC-3'